The following is an entry in ClinVar:

NM_000400.4(ERCC2):c.197A>T (p.Glu66Val)

Gene: ERCC2 (ERCC excision repair 2, TFIIH core complex helicase subunit; minus strand). Cytogenetic location: 19q13.32.
Variant type: single nucleotide variant.
Coding change: c.197A>T on transcript NM_000400.4 (MANE Select); coding-DNA position 197, A replaced by T.
Protein change: p.Glu66Val; replaces glutamic acid 66 with valine.
Molecular consequence: missense variant.
Genome position (GRCh38, 1-based): chr19:45,368,979, T>A on the plus strand (A>T on the coding strand, the complement: ERCC2 is on the minus strand). VCF-style: chr19-45368979-T-A. GRCh37 (hg19) VCF-style: chr19-45872237-T-A.
Other names: c.125A>T, p.Glu42Val (NM_001130867.2); short protein forms E42V, E66V.
Identifiers: ClinVar variation 1783775 (VCV001783775.3), dbSNP rs961564676, ClinGen allele CA308974085.

ClinVar aggregate classification (germline): Uncertain significance. Review status: criteria provided, multiple submitters, no conflicts (2 of 4 stars). 2 submissions from 2 submitters: Uncertain significance (2). Last evaluated 2024-10-29.

Conditions:
Inborn genetic diseases. Identifiers: MedGen C0950123, MeSH D030342.

Allele frequency attached by ClinVar (database versions not stated): gnomAD 0.00001; TOPMed 0.00002; gnomAD exomes 0.00005.

Submissions (2):

Labcorp Genetics (formerly Invitae), Labcorp
Classification: Uncertain significance. Last evaluated: 2024-10-29. Review status: criteria provided, single submitter. Criteria: Invitae Variant Classification Sherloc (09022015). Collection method: clinical testing. Allele origin: germline.
Comment: This sequence change replaces glutamic acid, which is acidic and polar, with valine, which is neutral and non-polar, at codon 66 of the ERCC2 protein (p.Glu66Val). This variant is present in population databases (no rsID available, gnomAD 0.007%). This variant has not been reported in the literature in individuals affected with ERCC2-related conditions. ClinVar contains an entry for this variant (Variation ID: 1783775). Invitae Evidence Modeling of protein sequence and biophysical properties (such as structural, functional, and spatial information, amino acid conservation, physicochemical variation, residue mobility, and thermodynamic stability) indicates that this missense variant is not expected to disrupt ERCC2 protein function with a negative predictive value of 80%. In summary, the available evidence is currently insufficient to determine the role of this variant in disease. Therefore, it has been classified as a Variant of Uncertain Significance.

Ambry Genetics
Classification: Uncertain significance for Inborn genetic diseases. Last evaluated: 2021-06-25. Review status: criteria provided, single submitter. Criteria: Ambry Variant Classification Scheme 2023. Collection method: clinical testing. Allele origin: germline.
Comment: The p.E66V variant (also known as c.197A>T), located in coding exon 4 of the ERCC2 gene, results from an A to T substitution at nucleotide position 197. The glutamic acid at codon 66 is replaced by valine, an amino acid with dissimilar properties. This amino acid position is conserved. In addition, the in silico prediction for this alteration is inconclusive. Since supporting evidence is limited at this time, the clinical significance of this alteration remains unclear.